The following is an entry in ClinVar:

NM_000059.4(BRCA2):c.3902C>T (p.Thr1301Ile)

Gene: BRCA2 (BRCA2 DNA repair associated; plus strand). Cytogenetic location: 13q13.1.
Variant type: single nucleotide variant.
Coding change: c.3902C>T on transcript NM_000059.4 (MANE Select); coding-DNA position 3902, C replaced by T.
Protein change: p.Thr1301Ile; replaces threonine 1301 with isoleucine.
Molecular consequence: missense variant.
Genome position (GRCh38, 1-based): chr13:32,338,257, C>T. VCF-style: chr13-32338257-C-T. GRCh37 (hg19) VCF-style: chr13-32912394-C-T.
Other names: short protein forms T1301I.
Identifiers: ClinVar variation 629052 (VCV000629052.16), dbSNP rs1455648880, ClinGen allele CA387778796.
Genomic context (GRCh38, chr13:32,338,257, plus strand): 5'-AAACTGTAAGTGAAAAAAATAATAAATGCCAACTGATATTACAAAATAATATTGAAATGA[C>T]TACTGGCACTTTTGTTGAAGAAATTACTGAAAATTACAAGAGAAATACTGAAAATGAAGA-3'
Protein context (NP_000050.3, residues 1291-1311): QLILQNNIEM[Thr1301Ile]TGTFVEEITE

ClinVar aggregate classification (germline): Conflicting classifications of pathogenicity. Review status: criteria provided, conflicting classifications (1 of 4 stars). 6 submissions from 6 submitters: Uncertain significance (4); Likely benign (1). 1 of the submissions does not count toward it. Last evaluated 2025-04-22.

Conditions:
Hereditary cancer-predisposing syndrome. Also called: Neoplastic Syndromes, Hereditary; Tumor predisposition; Hereditary neoplastic syndrome; Hereditary Cancer Syndrome. Identifiers: Orphanet 140162, MedGen C0027672, MeSH D009386, MONDO:0015356.
Hereditary breast ovarian cancer syndrome. Also called: Hereditary breast and ovarian cancer syndrome; Hereditary breast and ovarian cancer; Hereditary breast and ovarian cancer syndrome (HBOC); Breast and ovarian cancer; Hereditary breast and/or ovarian cancer syndrome; BRCA1- and BRCA2-Associated Hereditary Breast and Ovarian Cancer. Identifiers: Orphanet 145, MedGen C0677776, MeSH D061325, MONDO:0003582. Disease mechanism: loss of function.
Malignant tumor of breast. Also called: Malignant breast neoplasm; Cancer breast. Identifiers: MedGen C0006142, MONDO:0007254. Disease mechanism: loss of function.

Submissions (6):

Ambry Genetics
Classification: Uncertain significance for Hereditary cancer-predisposing syndrome. Last evaluated: 2025-04-22. Review status: criteria provided, single submitter. Criteria: Ambry Variant Classification Scheme 2023. Collection method: clinical testing. Allele origin: germline.
Comment: The p.T1301I variant (also known as c.3902C>T), located in coding exon 10 of the BRCA2 gene, results from a C to T substitution at nucleotide position 3902. The threonine at codon 1301 is replaced by isoleucine, an amino acid with similar properties. This amino acid position is not well conserved in available vertebrate species. In addition, this alteration is predicted to be tolerated by in silico analysis. Based on the available evidence, the clinical significance of this variant remains unclear.

University of Washington Department of Laboratory Medicine, University of Washington
Classification: Likely benign for Hereditary cancer-predisposing syndrome. Last evaluated: 2023-03-23. Review status: criteria provided, single submitter. Criteria: Dines et al. (Genet Med. 2020). Collection method: curation. Allele origin: germline.
Comment: Missense variant in a coldspot region where missense variants are very unlikely to be pathogenic (PMID:31911673).

BRCA2 exon 11 coldspot. Reclassification based on statistical prior probability.

Labcorp Genetics (formerly Invitae), Labcorp
Classification: Uncertain significance for Hereditary breast ovarian cancer syndrome. Last evaluated: 2022-11-01. Review status: criteria provided, single submitter. Criteria: Invitae Variant Classification Sherloc (09022015). Collection method: clinical testing. Allele origin: germline.
Comment: This variant has not been reported in the literature in individuals affected with BRCA2-related conditions. This variant is not present in population databases (gnomAD no frequency). This sequence change replaces threonine, which is neutral and polar, with isoleucine, which is neutral and non-polar, at codon 1301 of the BRCA2 protein (p.Thr1301Ile). ClinVar contains an entry for this variant (Variation ID: 629052). In summary, the available evidence is currently insufficient to determine the role of this variant in disease. Therefore, it has been classified as a Variant of Uncertain Significance. Advanced modeling of protein sequence and biophysical properties (such as structural, functional, and spatial information, amino acid conservation, physicochemical variation, residue mobility, and thermodynamic stability) performed at Invitae indicates that this missense variant is not expected to disrupt BRCA2 protein function.

Women's Health and Genetics/Laboratory Corporation of America, LabCorp
Classification: Uncertain significance. Last evaluated: 2021-02-28. Review status: criteria provided, single submitter. Criteria: LabCorp Variant Classification Summary - May 2015. Collection method: clinical testing. Allele origin: germline.
Comment: Variant summary: BRCA2 c.3902C>T (p.Thr1301Ile) results in a non-conservative amino acid change in the encoded protein sequence. Four of five in-silico tools predict a benign effect of the variant on protein function. The variant was absent in 205598 control chromosomes. The available data on variant occurrences in the general population are insufficient to allow any conclusion about variant significance. To our knowledge, no occurrence of c.3902C>T in individuals affected with Hereditary Breast And Ovarian Cancer Syndrome and no experimental evidence demonstrating its impact on protein function have been reported. One clinical diagnostic laboratory has submitted clinical-significance assessments for this variant to ClinVar after 2014 without evidence for independent evaluation and classified the variant as uncertain significance. Based on the evidence outlined above, the variant was classified as uncertain significance.

Color Diagnostics, LLC DBA Color Health
Classification: Uncertain significance for Hereditary cancer-predisposing syndrome. Last evaluated: 2020-08-26. Review status: criteria provided, single submitter. Criteria: ACMG Guidelines, 2015. Collection method: clinical testing. Allele origin: germline.
Comment: This missense variant replaces threonine with isoleucine at codon 1301 of the BRCA2 protein. Computational prediction suggests that this variant may not impact protein structure and function (internally defined REVEL score threshold <= 0.5, PMID: 27666373). To our knowledge, functional studies have not been reported for this variant. This variant has not been reported in individuals affected with hereditary cancer in the literature. This variant has not been identified in the general population by the Genome Aggregation Database (gnomAD). The available evidence is insufficient to determine the role of this variant in disease conclusively. Therefore, this variant is classified as a Variant of Uncertain Significance.

Department of Pathology and Laboratory Medicine, Sinai Health System
Classification: Uncertain significance for Malignant tumor of breast. Review status: no assertion criteria provided. Collection method: clinical testing. Allele origin: unknown. Affected: yes. Study: The Canadian Open Genetics Repository (COGR). Not counted in ClinVar's aggregate classification.
Comment: The BRCA2 p.Thr1301Ile variant was not identified in the literature nor was it identified in the dbSNP, LOVD 3.0 and UMD-LSDB databases. The variant was identified in ClinVar (classified as uncertain significance by Color). The variant was not identified in the following control databases: the Exome Aggregation Consortium (August 8th 2016) or the Genome Aggregation Database (Feb 27, 2017). The p.Thr1301Ile residue is not conserved in mammals and four out of five computational analyses (PolyPhen-2, SIFT, AlignGVGD, BLOSUM, MutationTaster) do not suggest a high likelihood of impact to the protein; however, this information is not predictive enough to rule out pathogenicity. The variant occurs outside of the splicing consensus sequence and in silico or computational prediction software programs (SpliceSiteFinder, MaxEntScan, NNSPLICE, GeneSplicer) do not predict a difference in splicing. In summary, based on the above information, the clinical significance of this variant cannot be determined with certainty at this time. This variant is classified as a variant of uncertain significance.